The following is an entry in ClinVar:

ClinVar aggregate classification (germline): Uncertain significance (1 of 4 stars; one submission).

Conditions:
Neuropathy, hereditary sensory and autonomic, type 2A (HSAN2A). Also called: ACROOSTEOLYSIS, GIACCAI TYPE; ACROOSTEOLYSIS, NEUROGENIC; MORVAN DISEASE; NEUROPATHY, CONGENITAL SENSORY; NEUROPATHY, HEREDITARY SENSORY RADICULAR, AUTOSOMAL RECESSIVE; NEUROPATHY, HEREDITARY SENSORY, TYPE IIA. Identifiers: Orphanet 970, MedGen C2752089, MONDO:0024309, OMIM 201300.
Generalized epilepsy with febrile seizures plus, type 7 (GEFSP7). Also called: GEFS+, TYPE 7. Identifiers: Orphanet 36387, MedGen C2751778, MONDO:0013470, OMIM 613863.

Submission:

Labcorp Genetics (formerly Invitae), Labcorp
Classification: Uncertain significance for Neuropathy, hereditary sensory and autonomic, type 2A; Generalized epilepsy with febrile seizures plus, type 7. Last evaluated: 2022-12-04. Review status: criteria provided, single submitter. Criteria: Invitae Variant Classification Sherloc (09022015). Collection method: clinical testing. Allele origin: germline.
Comment: Algorithms developed to predict the effect of missense changes on protein structure and function (SIFT, PolyPhen-2, Align-GVGD) all suggest that this variant is likely to be disruptive. In summary, the available evidence is currently insufficient to determine the role of this variant in disease. Therefore, it has been classified as a Variant of Uncertain Significance. This variant has not been reported in the literature in individuals affected with SCN9A-related conditions. This variant is not present in population databases (gnomAD no frequency). This sequence change replaces phenylalanine, which is neutral and non-polar, with serine, which is neutral and polar, at codon 1673 of the SCN9A protein (p.Phe1673Ser).

NM_001365536.1(SCN9A):c.5051T>C (p.Phe1684Ser)

Genes: SCN1A-AS1 (SCN1A and SCN9A antisense RNA 1; plus strand), SCN9A (sodium voltage-gated channel alpha subunit 9; minus strand). Cytogenetic location: 2q24.3.
Variant type: single nucleotide variant.
Coding change: c.5051T>C on transcript NM_001365536.1 (MANE Select); coding-DNA position 5051, T replaced by C.
Protein change: p.Phe1684Ser; replaces phenylalanine 1684 with serine.
Molecular consequence: missense variant.
Genome position (GRCh38, 1-based): chr2:166,199,588, A>G on the plus strand (T>C on the coding strand, the complement: SCN9A is on the minus strand). VCF-style: chr2-166199588-A-G. GRCh37 (hg19) VCF-style: chr2-167056098-A-G.
Other names: c.5018T>C, p.Phe1673Ser (NM_002977.4); short protein forms F1684S, F1673S.
Identifiers: ClinVar variation 2942055 (VCV002942055.3), dbSNP rs2468878168, ClinGen allele CA349054823.